The following is an entry in ClinVar:

NM_000496.3(CRYBB2):c.384T>G (p.Asp128Glu)

Gene: CRYBB2 (crystallin beta B2; plus strand). Cytogenetic location: 22q11.23.
Variant type: single nucleotide variant.
Coding change: c.384T>G on transcript NM_000496.3 (MANE Select); coding-DNA position 384, T replaced by G.
Protein change: p.Asp128Glu; replaces aspartic acid 128 with glutamic acid.
Molecular consequence: missense variant.
Genome position (GRCh38, 1-based): chr22:25,229,513, T>G. VCF-style: chr22-25229513-T-G. GRCh37 (hg19) VCF-style: chr22-25625480-T-G.
Other names: short protein forms D128E.
Identifiers: ClinVar variation 1478290 (VCV001478290.8), dbSNP rs1395903116, ClinGen allele CA410987778.

ClinVar aggregate classification (germline): Uncertain significance (1 of 4 stars; one submission).

Conditions:
Cataract 3 multiple types. Also called: CATARACT 3, MULTIPLE TYPES, WITH OR WITHOUT MICROCORNEA. Identifiers: Orphanet 1377, MedGen C1832175, MONDO:0011104, OMIM 601547.

Submission:

Labcorp Genetics (formerly Invitae), Labcorp
Classification: Uncertain significance for Cataract 3 multiple types. Last evaluated: 2021-07-07. Review status: criteria provided, single submitter. Criteria: Invitae Variant Classification Sherloc (09022015). Collection method: clinical testing. Allele origin: germline.
Comment: This variant has not been reported in the literature in individuals affected with CRYBB2-related conditions. Algorithms developed to predict the effect of missense changes on protein structure and function are either unavailable or do not agree on the potential impact of this missense change (SIFT: "Deleterious"; PolyPhen-2: "Benign"; Align-GVGD: "Class C35"). This variant is not present in population databases (ExAC no frequency). This sequence change replaces aspartic acid with glutamic acid at codon 128 of the CRYBB2 protein (p.Asp128Glu). The aspartic acid residue is highly conserved and there is a small physicochemical difference between aspartic acid and glutamic acid. In summary, the available evidence is currently insufficient to determine the role of this variant in disease. Therefore, it has been classified as a Variant of Uncertain Significance. This variant disrupts the p.Asp128 amino acid residue in CRYBB2. Other variant(s) that disrupt this residue have been determined to be pathogenic (PMID: 17653036). This suggests that this residue is clinically significant, and that variants that disrupt this residue are likely to be disease-causing. Algorithms developed to predict the effect of sequence changes on RNA splicing suggest that this variant may create or strengthen a splice site.

Literature cited by the submitters: PubMed 17653036.